The following is an entry in ClinVar:

NM_006297.3(XRCC1):c.570C>G (p.Leu190=)

Gene: XRCC1 (X-ray repair cross complementing 1; minus strand). Cytogenetic location: 19q13.31.
Variant type: single nucleotide variant.
Coding change: c.570C>G on transcript NM_006297.3 (MANE Select); coding-DNA position 570, C replaced by G.
Protein change: p.Leu190=; no amino-acid change (leucine 190 retained).
Molecular consequence: synonymous variant.
Genome position (GRCh38, 1-based): chr19:43,553,432, G>C on the plus strand (C>G on the coding strand, the complement: XRCC1 is on the minus strand). VCF-style: chr19-43553432-G-C. GRCh37 (hg19) VCF-style: chr19-44057584-G-C.
Identifiers: ClinVar variation 777496 (VCV000777496.35), dbSNP rs2307170, ClinGen allele CA9488738.

ClinVar aggregate classification (germline): Benign/Likely benign. Review status: criteria provided, multiple submitters, no conflicts (2 of 4 stars). 3 submissions from 3 submitters: Benign (2); Likely benign (1). Last evaluated 2026-07-01.

Allele frequency attached by ClinVar (database versions not stated): 1000 Genomes Project 0.00120; 1000 Genomes Project 30x 0.00172; ExAC 0.00355; TOPMed 0.00383; gnomAD exomes 0.00395 and 0.00656; gnomAD 0.00432 and 0.00459; ESP Exome Variant Server 0.00454.
gnomAD v4.1: 10,210 of 1,614,164 alleles (0.63%); highest among the groups gnomAD compares: Non-Finnish European, 0.78%; 53 homozygotes.

Submissions (3):

CeGaT Center for Human Genetics Tuebingen
Classification: Likely benign. Last evaluated: 2026-07-01. Review status: criteria provided, single submitter. Criteria: CeGaT Center For Human Genetics Tuebingen Variant Classification Criteria Version 2. Collection method: clinical testing. Allele origin: germline. Affected: yes. Observed: 24 variant alleles.
Comment: XRCC1: BP4, BP7, BS2

Labcorp Genetics (formerly Invitae), Labcorp
Classification: Benign. Last evaluated: 2019-12-31. Review status: criteria provided, single submitter. Criteria: Invitae Variant Classification Sherloc (09022015). Collection method: clinical testing. Allele origin: germline.

Breakthrough Genomics
Classification: Benign. Review status: criteria provided, single submitter. Criteria: ACMG Guidelines, 2015. Collection method: not provided. Allele origin: germline. Inheritance: Autosomal recessive inheritance. Affected: yes.